The following is an entry in ClinVar:

NM_001012759.3(CTU2):c.856_860del (p.Phe286fs)

Gene: CTU2 (cytosolic thiouridylase subunit 2; plus strand). Cytogenetic location: 16q24.3.
Variant type: Deletion.
Coding change: c.856_860del on transcript NM_001012759.3 (MANE Select); coding-DNA positions 856 to 860, 5 bases deleted (TTCCT; older notation c.856_860delTTCCT).
Protein change: p.Phe286fs; shifts the reading frame from phenylalanine 286.
Molecular consequence: frameshift variant.
Genome position (GRCh38, 1-based): chr16:88,713,430-88,713,434, TTCCT deleted. VCF-style (leftmost placement, unchanged base first): chr16-88713429-CTTCCT-C. GRCh37 (hg19) VCF-style: chr16-88779837-CTTCCT-C.
Other names: c.856_860del, p.Phe286fs (NM_001012762.3); c.1069_1073del, p.Phe357fs (NM_001318507.2); c.595_599del, p.Phe199fs (NM_001318513.2); short protein forms F199fs, F286fs, F357fs.
Identifiers: ClinVar variation 5043307 (VCV005043307.1).

ClinVar aggregate classification (germline): Pathogenic (1 of 4 stars; one submission).

Conditions:
Fetal anomalies with a likely genetic cause.

Submission:

Genetics Laboratory, Great Ormond Street Hospital NHS Foundation Trust, North Thames Genomic Laboratory Hub
Classification: Pathogenic for Fetal anomalies with a likely genetic cause. Last evaluated: 2026-09-17. Review status: criteria provided, single submitter. Criteria: ACGS Best Practice Guidelines for Variant Classification in Rare Disease 2024 v1.2. Collection method: clinical testing. Allele origin: germline. Affected: yes.
Comment: PM2_moderate, PVS1_very-strong